The following is an entry in ClinVar:

NM_007327.4(GRIN1):c.1113C>T (p.His371=)

Gene: GRIN1 (glutamate ionotropic receptor NMDA type subunit 1; plus strand). Cytogenetic location: 9q34.3.
Variant type: single nucleotide variant.
Coding change: c.1113C>T on transcript NM_007327.4 (MANE Select); coding-DNA position 1113, C replaced by T.
Protein change: p.His371=; no amino-acid change (histidine 371 retained).
Molecular consequence: synonymous variant.
Genome position (GRCh38, 1-based): chr9:137,158,523, C>T. VCF-style: chr9-137158523-C-T. GRCh37 (hg19) VCF-style: chr9-140052975-C-T.
Other names: c.1113C>T, p.His371= (NM_000832.7, NM_021569.4); c.1176C>T, p.His392= (NM_001185090.2, NM_001185091.2).
Identifiers: ClinVar variation 649797 (VCV000649797.11), dbSNP rs150508714, ClinGen allele CA5360827.

ClinVar aggregate classification (germline): Conflicting classifications of pathogenicity. Review status: criteria provided, conflicting classifications (1 of 4 stars). 2 submissions from 2 submitters: Uncertain significance (1); Benign (1). Last evaluated 2025-12-15.

Conditions:
Inborn genetic diseases. Identifiers: MedGen C0950123, MeSH D030342.
Neurodevelopmental disorder with or without hyperkinetic movements and seizures, autosomal dominant. Also called: Intellectual disability, autosomal dominant 8. Identifiers: MedGen C3280282, MONDO:0013655, OMIM 614254.

Allele frequency attached by ClinVar (database versions not stated): gnomAD exomes 0.00002 and 0.00006; gnomAD 0.00003 and 0.00004; TOPMed 0.00007; ExAC 0.00008; ESP Exome Variant Server 0.00008.
gnomAD v4.1: 40 of 1,610,546 alleles (0.0025%); highest among the groups gnomAD compares: Admixed American, 0.038%; no homozygotes.

Submissions (2):

Labcorp Genetics (formerly Invitae), Labcorp
Classification: Benign for Neurodevelopmental disorder with or without hyperkinetic movements and seizures, autosomal dominant. Last evaluated: 2025-12-15. Review status: criteria provided, single submitter. Criteria: Invitae Variant Classification Sherloc (09022015). Collection method: clinical testing. Allele origin: germline.

Ambry Genetics
Classification: Uncertain significance for Inborn genetic diseases. Last evaluated: 2021-10-19. Review status: criteria provided, single submitter. Criteria: Ambry Variant Classification Scheme 2023. Collection method: clinical testing. Allele origin: germline.
Comment: Occurs in the last base pair of the exon Based on insufficient or conflicting evidence, the clinical significance of this alteration remains unclear.